The following is an entry in ClinVar:

ClinVar aggregate classification (germline): Uncertain significance (1 of 4 stars; one submission).

Submission:

CeGaT Center for Human Genetics Tuebingen
Classification: Uncertain significance. Last evaluated: 2026-02-01. Review status: criteria provided, single submitter. Criteria: CeGaT Center For Human Genetics Tuebingen Variant Classification Criteria Version 2. Collection method: clinical testing. Allele origin: germline. Affected: yes. Observed: 1 variant allele.
Comment: KCNN2: PM4

NM_021614.4(KCNN2):c.809_810insCGCTGCCGC (p.Ala270_Val271insAlaAlaAla)

Gene: KCNN2 (potassium calcium-activated channel subfamily N member 2; plus strand). Cytogenetic location: 5q22.3.
Variant type: Microsatellite.
Coding change: c.809_810insCGCTGCCGC on transcript NM_021614.4 (MANE Select); coding-DNA positions 809 to 810, CGCTGCCGC inserted.
Protein change: p.Ala270_Val271insAlaAlaAla.
Molecular consequence: inframe insertion. On other transcripts: non-coding transcript variant (1).
Genome position: GRCh38 VCF-style: chr5-114362943-C-CGCCGCCGCT. GRCh37 (hg19) VCF-style: chr5-113698640-C-CGCCGCCGCT.
Other names: c.1007_1008insCGCTGCCGC, p.Ala336_Val337insAlaAlaAla (NM_001372233.1).
Identifiers: ClinVar variation 4822121 (VCV004822121.4).